The following is an entry in ClinVar:

ClinVar aggregate classification (germline): Pathogenic (1 of 4 stars; one submission).

Allele frequency attached by ClinVar (database versions not stated): gnomAD 0.00003; TOPMed 0.00003; ExAC 0.00005.
gnomAD v4.1: 73 of 1,613,570 alleles (0.0045%); highest among the groups gnomAD compares: Middle Eastern, 0.016%; no homozygotes.

Submission:

Labcorp Genetics (formerly Invitae), Labcorp
Classification: Pathogenic. Last evaluated: 2024-06-03. Review status: criteria provided, single submitter. Criteria: Invitae Variant Classification Sherloc (09022015). Collection method: clinical testing. Allele origin: germline.
Comment: This sequence change creates a premature translational stop signal (p.Arg963*) in the DUOX2 gene. It is expected to result in an absent or disrupted protein product. Loss-of-function variants in DUOX2 are known to be pathogenic (PMID: 12110737, 18765513, 21565790, 24423310, 24735383). This variant is present in population databases (rs199783724, gnomAD 0.007%). This variant has not been reported in the literature in individuals affected with DUOX2-related conditions. ClinVar contains an entry for this variant (Variation ID: 2053940). Algorithms developed to predict the effect of sequence changes on RNA splicing suggest that this variant may disrupt the consensus splice site. For these reasons, this variant has been classified as Pathogenic.

Literature cited by the submitters: PubMed 12110737; PubMed 18765513; PubMed 21565790; PubMed 24423310; PubMed 24735383.

NM_001363711.2(DUOX2):c.2887C>T (p.Arg963Ter)

Gene: DUOX2 (dual oxidase 2; minus strand). Cytogenetic location: 15q21.1.
Variant type: single nucleotide variant.
Coding change: c.2887C>T on transcript NM_001363711.2 (MANE Select); coding-DNA position 2887, C replaced by T.
Protein change: p.Arg963Ter; replaces arginine 963 with a stop codon.
Molecular consequence: nonsense.
Genome position (GRCh38, 1-based): chr15:45,101,239, G>A on the plus strand (C>T on the coding strand, the complement: DUOX2 is on the minus strand). VCF-style: chr15-45101239-G-A. GRCh37 (hg19) VCF-style: chr15-45393437-G-A.
Other names: c.2887C>T, p.Arg963Ter (NM_014080.5); short protein forms R963*.
Identifiers: ClinVar variation 2053940 (VCV002053940.5), dbSNP rs199783724, ClinGen allele CA7538103.